The following is an entry in ClinVar:

NM_000426.4(LAMA2):c.3133G>T (p.Ala1045Ser)

Gene: LAMA2 (laminin subunit alpha 2; plus strand). Cytogenetic location: 6q22.33.
Variant type: single nucleotide variant.
Coding change: c.3133G>T on transcript NM_000426.4 (MANE Select); coding-DNA position 3133, G replaced by T.
Protein change: p.Ala1045Ser; replaces alanine 1045 with serine.
Molecular consequence: missense variant.
Genome position (GRCh38, 1-based): chr6:129,300,831, G>T. VCF-style: chr6-129300831-G-T. GRCh37 (hg19) VCF-style: chr6-129621976-G-T.
Other names: c.3133G>T, p.Ala1045Ser (NM_001079823.2); c.3133G>T (NM_000426.3); short protein forms A1045S.
Identifiers: ClinVar variation 1362657 (VCV001362657.10), dbSNP rs373373855, ClinGen allele CA3993174.

ClinVar aggregate classification (germline): Uncertain significance. Review status: criteria provided, multiple submitters, no conflicts (2 of 4 stars). 3 submissions from 3 submitters: Uncertain significance (3). Last evaluated 2025-02-28.

Conditions:
Inborn genetic diseases. Identifiers: MedGen C0950123, MeSH D030342.
LAMA2-related muscular dystrophy (LAMA2-RD). Also called: Laminin alpha 2-related dystrophy. Identifiers: MedGen C5679788, MONDO:0100228.

Allele frequency attached by ClinVar (database versions not stated): ExAC 0.00002; gnomAD exomes 0.00002; gnomAD 0.00003 and 0.00004; TOPMed 0.00004; ESP Exome Variant Server 0.00008.
gnomAD v4.1: 31 of 1,613,706 alleles (0.0019%); highest among the groups gnomAD compares: Non-Finnish European, 0.0025%; no homozygotes.

Submissions (3):

Revvity Omics, Revvity
Classification: Uncertain significance. Last evaluated: 2025-02-28. Review status: criteria provided, single submitter. Criteria: ACMG Guidelines, 2015. Collection method: clinical testing. Allele origin: germline.

Labcorp Genetics (formerly Invitae), Labcorp
Classification: Uncertain significance for LAMA2-related muscular dystrophy. Last evaluated: 2024-04-22. Review status: criteria provided, single submitter. Criteria: Invitae Variant Classification Sherloc (09022015). Collection method: clinical testing. Allele origin: germline.
Comment: This sequence change replaces alanine, which is neutral and non-polar, with serine, which is neutral and polar, at codon 1045 of the LAMA2 protein (p.Ala1045Ser). This variant is present in population databases (rs373373855, gnomAD 0.004%). This variant has not been reported in the literature in individuals affected with LAMA2-related conditions. ClinVar contains an entry for this variant (Variation ID: 1362657). Advanced modeling of protein sequence and biophysical properties (such as structural, functional, and spatial information, amino acid conservation, physicochemical variation, residue mobility, and thermodynamic stability) performed at Invitae indicates that this missense variant is not expected to disrupt LAMA2 protein function with a negative predictive value of 95%. In summary, the available evidence is currently insufficient to determine the role of this variant in disease. Therefore, it has been classified as a Variant of Uncertain Significance.

Ambry Genetics
Classification: Uncertain significance for Inborn genetic diseases. Last evaluated: 2021-08-23. Review status: criteria provided, single submitter. Criteria: Ambry Variant Classification Scheme 2023. Collection method: clinical testing. Allele origin: germline.